The following is an entry in ClinVar:

NM_080473.5(GATA5):c.194C>A (p.Ala65Glu)

Gene: GATA5 (GATA binding protein 5; minus strand). Cytogenetic location: 20q13.33.
Variant type: single nucleotide variant.
Coding change: c.194C>A on transcript NM_080473.5 (MANE Select); coding-DNA position 194, C replaced by A.
Protein change: p.Ala65Glu; replaces alanine 65 with glutamic acid.
Molecular consequence: missense variant.
Genome position (GRCh38, 1-based): chr20:62,475,328, G>T on the plus strand (C>A on the coding strand, the complement: GATA5 is on the minus strand). VCF-style: chr20-62475328-G-T. GRCh37 (hg19) VCF-style: chr20-61050384-G-T.
Other names: short protein forms A65E.
Identifiers: ClinVar variation 1427956 (VCV001427956.8), dbSNP rs1555897030, ClinGen allele CA409557495.

ClinVar aggregate classification (germline): Uncertain significance (1 of 4 stars; one submission).

Allele frequency attached by ClinVar (database versions not stated): gnomAD exomes below 0.00001.
gnomAD v4.1: 1 of 1,252,194 alleles (0.00008%); highest among the groups gnomAD compares: East Asian, 0.0032%; no homozygotes.

Submission:

Labcorp Genetics (formerly Invitae), Labcorp
Classification: Uncertain significance. Last evaluated: 2021-05-17. Review status: criteria provided, single submitter. Criteria: Invitae Variant Classification Sherloc (09022015). Collection method: clinical testing. Allele origin: germline.
Comment: Algorithms developed to predict the effect of missense changes on protein structure and function are either unavailable or do not agree on the potential impact of this missense change (SIFT: "Tolerated"; PolyPhen-2: "Possibly Damaging"; Align-GVGD: "Class C0"). This variant has not been reported in the literature in individuals with GATA5-related conditions. The frequency data for this variant in the population databases is considered unreliable, as metrics indicate insufficient coverage at this position in the ExAC database. This sequence change replaces alanine with glutamic acid at codon 65 of the GATA5 protein (p.Ala65Glu). The alanine residue is weakly conserved and there is a moderate physicochemical difference between alanine and glutamic acid. In summary, the available evidence is currently insufficient to determine the role of this variant in disease. Therefore, it has been classified as a Variant of Uncertain Significance.